The following is an entry in ClinVar:

NM_001414.4(EIF2B1):c.610G>A (p.Gly204Arg)

Gene: EIF2B1 (eukaryotic translation initiation factor 2B subunit alpha; minus strand). Cytogenetic location: 12q24.31.
Variant type: single nucleotide variant.
Coding change: c.610G>A on transcript NM_001414.4 (MANE Select); coding-DNA position 610, G replaced by A.
Protein change: p.Gly204Arg; replaces glycine 204 with arginine.
Molecular consequence: missense variant.
Genome position (GRCh38, 1-based): chr12:123,624,804, C>T on the plus strand (G>A on the coding strand, the complement: EIF2B1 is on the minus strand). VCF-style: chr12-123624804-C-T. GRCh37 (hg19) VCF-style: chr12-124109351-C-T.
Other names: c.610G>A (NM_001414.3); short protein forms G204R.
Identifiers: ClinVar variation 1981639 (VCV001981639.20), dbSNP rs375037006, ClinGen allele CA6860009.

ClinVar aggregate classification (germline): Uncertain significance. Review status: criteria provided, multiple submitters, no conflicts (2 of 4 stars). 3 submissions from 3 submitters: Uncertain significance (3). Last evaluated 2025-11-20.

Conditions:
Inborn genetic diseases. Identifiers: MedGen C0950123, MeSH D030342.

Allele frequency attached by ClinVar (database versions not stated): gnomAD 0.00004; ESP Exome Variant Server 0.00008; ExAC 0.00001; TOPMed 0.00001; gnomAD exomes 0.00002.
gnomAD v4.1: 30 of 1,613,840 alleles (0.0019%); highest among the groups gnomAD compares: Admixed American, 0.0033%; no homozygotes.

Submissions (3):

Ambry Genetics
Classification: Uncertain significance for Inborn genetic diseases. Last evaluated: 2025-11-20. Review status: criteria provided, single submitter. Criteria: Ambry Variant Classification Scheme 2023. Collection method: clinical testing. Allele origin: germline.

CeGaT Center for Human Genetics Tuebingen
Classification: Uncertain significance. Last evaluated: 2024-05-01. Review status: criteria provided, single submitter. Criteria: CeGaT Center For Human Genetics Tuebingen Variant Classification Criteria Version 2. Collection method: clinical testing. Allele origin: germline. Affected: yes. Observed: 1 variant allele.
Comment: EIF2B1: PM2, PP3

Labcorp Genetics (formerly Invitae), Labcorp
Classification: Uncertain significance. Last evaluated: 2022-08-09. Review status: criteria provided, single submitter. Criteria: Invitae Variant Classification Sherloc (09022015). Collection method: clinical testing. Allele origin: germline.
Comment: This sequence change replaces glycine, which is neutral and non-polar, with arginine, which is basic and polar, at codon 204 of the EIF2B1 protein (p.Gly204Arg). This variant is present in population databases (rs375037006, gnomAD 0.003%). This variant has not been reported in the literature in individuals affected with EIF2B1-related conditions. Algorithms developed to predict the effect of missense changes on protein structure and function (SIFT, PolyPhen-2, Align-GVGD) all suggest that this variant is likely to be disruptive. In summary, the available evidence is currently insufficient to determine the role of this variant in disease. Therefore, it has been classified as a Variant of Uncertain Significance.